The following is an entry in ClinVar:

ClinVar aggregate classification (germline): Uncertain significance. Review status: criteria provided, multiple submitters, no conflicts (2 of 4 stars). 2 submissions from 2 submitters: Uncertain significance (2). Last evaluated 2023-12-27.

Allele frequency attached by ClinVar (database versions not stated): gnomAD exomes 0.00001; TOPMed 0.00001; ExAC 0.00002; gnomAD 0.00003; 1000 Genomes Project 30x 0.00016; 1000 Genomes Project 0.00020.
gnomAD v4.1: 19 of 1,613,978 alleles (0.0012%); highest among the groups gnomAD compares: East Asian, 0.013%; no homozygotes.

Submissions (2):

Ambry Genetics
Classification: Uncertain significance. Last evaluated: 2023-12-27. Review status: criteria provided, single submitter. Criteria: Ambry Variant Classification Scheme 2023. Collection method: clinical testing. Allele origin: germline.

Labcorp Genetics (formerly Invitae), Labcorp
Classification: Uncertain significance. Last evaluated: 2022-08-15. Review status: criteria provided, single submitter. Criteria: Invitae Variant Classification Sherloc (09022015). Collection method: clinical testing. Allele origin: germline.
Comment: This sequence change replaces arginine, which is basic and polar, with glutamine, which is neutral and polar, at codon 1078 of the CEP250 protein (p.Arg1078Gln). This variant is present in population databases (rs551110184, gnomAD 0.02%). This variant has not been reported in the literature in individuals affected with CEP250-related conditions. Algorithms developed to predict the effect of missense changes on protein structure and function output the following: SIFT: "Not Available"; PolyPhen-2: "Benign"; Align-GVGD: "Not Available". The glutamine amino acid residue is found in multiple mammalian species, which suggests that this missense change does not adversely affect protein function. In summary, the available evidence is currently insufficient to determine the role of this variant in disease. Therefore, it has been classified as a Variant of Uncertain Significance.

NM_007186.6(CEP250):c.3233G>A (p.Arg1078Gln)

Gene: CEP250 (centrosomal protein 250; plus strand). Cytogenetic location: 20q11.22.
Variant type: single nucleotide variant.
Coding change: c.3233G>A on transcript NM_007186.6 (MANE Select); coding-DNA position 3233, G replaced by A.
Protein change: p.Arg1078Gln; replaces arginine 1078 with glutamine.
Molecular consequence: missense variant.
Genome position (GRCh38, 1-based): chr20:35,496,642, G>A. VCF-style: chr20-35496642-G-A. GRCh37 (hg19) VCF-style: chr20-34084471-G-A.
Other names: c.1337G>A, p.Arg446Gln (NM_001318219.1); c.3233G>A (NM_007186.3); short protein forms R1078Q, R446Q.
Identifiers: ClinVar variation 2081492 (VCV002081492.2), dbSNP rs551110184, ClinGen allele CA9833423.